The following is an entry in ClinVar:

NM_000554.6(CRX):c.587C>T (p.Ala196Val)

Gene: CRX (cone-rod homeobox; plus strand). Cytogenetic location: 19q13.33.
Variant type: single nucleotide variant.
Coding change: c.587C>T on transcript NM_000554.6 (MANE Select); coding-DNA position 587, C replaced by T.
Protein change: p.Ala196Val; replaces alanine 196 with valine.
Molecular consequence: missense variant.
Genome position (GRCh38, 1-based): chr19:47,839,654, C>T. VCF-style: chr19-47839654-C-T. GRCh37 (hg19) VCF-style: chr19-48342911-C-T.
Other names: short protein forms A196V.
Identifiers: ClinVar variation 1347475 (VCV001347475.6), dbSNP rs1372852556, ClinGen allele CA406631175.

ClinVar aggregate classification (germline): Uncertain significance (1 of 4 stars; one submission).

Conditions:
Leber congenital amaurosis 7 (LCA7). Identifiers: Orphanet 65, MedGen C3151192, MONDO:0013449, OMIM 613829.
Cone-rod dystrophy 2 (CORD2). Also called: CONE-ROD RETINAL DYSTROPHY; Cone-rod retinal dystrophy 2. Identifiers: Orphanet 1872, MedGen C3489532, MONDO:0007362, OMIM 120970.

Allele frequency attached by ClinVar (database versions not stated): TOPMed below 0.00001.
gnomAD v4.1: 1 of 1,613,460 alleles (0.000062%); highest among the groups gnomAD compares: Non-Finnish European, 0.000085%; no homozygotes.

Submission:

Labcorp Genetics (formerly Invitae), Labcorp
Classification: Uncertain significance for Cone-rod dystrophy 2; Leber congenital amaurosis 7. Last evaluated: 2025-01-27. Review status: criteria provided, single submitter. Criteria: Invitae Variant Classification Sherloc (09022015). Collection method: clinical testing. Allele origin: germline.
Comment: This sequence change replaces alanine, which is neutral and non-polar, with valine, which is neutral and non-polar, at codon 196 of the CRX protein (p.Ala196Val). This variant is not present in population databases (gnomAD no frequency). This variant has not been reported in the literature in individuals affected with CRX-related conditions. ClinVar contains an entry for this variant (Variation ID: 1347475). Invitae Evidence Modeling of protein sequence and biophysical properties (such as structural, functional, and spatial information, amino acid conservation, physicochemical variation, residue mobility, and thermodynamic stability) indicates that this missense variant is not expected to disrupt CRX protein function with a negative predictive value of 95%. In summary, the available evidence is currently insufficient to determine the role of this variant in disease. Therefore, it has been classified as a Variant of Uncertain Significance.